The following is an entry in ClinVar:

ClinVar aggregate classification (germline): Likely pathogenic (1 of 4 stars; one submission).

Conditions:
Autosomal recessive spastic paraplegia type 78. Identifiers: Orphanet 513436, MedGen C5567893, MONDO:0014975, OMIM 617225.
Kufor-Rakeb syndrome (KRS). Also called: PARKINSON DISEASE 9, AUTOSOMAL RECESSIVE, JUVENILE-ONSET. Identifiers: Orphanet 306674, Orphanet 314632, MedGen C1847640, MONDO:0011706, OMIM 606693.

Submission:

Labcorp Genetics (formerly Invitae), Labcorp
Classification: Likely pathogenic for Kufor-Rakeb syndrome; Autosomal recessive spastic paraplegia type 78. Last evaluated: 2021-07-13. Review status: criteria provided, single submitter. Criteria: Invitae Variant Classification Sherloc (09022015). Collection method: clinical testing. Allele origin: germline.
Comment: This sequence change affects an acceptor splice site in intron 17 of the ATP13A2 gene. It is expected to disrupt RNA splicing. Variants that disrupt the donor or acceptor splice site typically lead to a loss of protein function (PMID: 16199547), and loss-of-function variants in ATP13A2 are known to be pathogenic (PMID: 16964263, 21696388). This variant is not present in population databases (ExAC no frequency). This variant has not been reported in the literature in individuals affected with ATP13A2-related conditions. Algorithms developed to predict the effect of sequence changes on RNA splicing suggest that this variant may disrupt the consensus splice site. In summary, the currently available evidence indicates that the variant is pathogenic, but additional data are needed to prove that conclusively. Therefore, this variant has been classified as Likely Pathogenic.

Literature cited by the submitters: PubMed 16199547; PubMed 16964263; PubMed 21696388.

NM_022089.4(ATP13A2):c.1846-2A>G

Gene: ATP13A2 (ATPase cation transporting 13A2; minus strand). Cytogenetic location: 1p36.13.
Variant type: single nucleotide variant.
Coding change: c.1846-2A>G on transcript NM_022089.4 (MANE Select); the canonical splice acceptor site of the intron before coding-DNA position 1846, A replaced by G.
Molecular consequence: splice acceptor variant.
Genome position (GRCh38, 1-based): chr1:16,992,404, T>C on the plus strand (A>G on the coding strand, the complement: ATP13A2 is on the minus strand). VCF-style: chr1-16992404-T-C. GRCh37 (hg19) VCF-style: chr1-17318899-T-C.
Other names: c.1831-2A>G (NM_001141974.3, NM_001141973.3).
Identifiers: ClinVar variation 1510691 (VCV001510691.6), dbSNP rs2100783138, ClinGen allele CA338246592.